The following is an entry in ClinVar:

NM_001267550.2(TTN):c.64916G>A (p.Arg21639Gln)

Genes: TTN-AS1 (TTN antisense RNA 1; plus strand), TTN (titin; minus strand). Cytogenetic location: 2q31.2.
Variant type: single nucleotide variant.
Coding change: c.64916G>A on transcript NM_001267550.2 (MANE Select); coding-DNA position 64916, G replaced by A.
Protein change: p.Arg21639Gln; replaces arginine 21639 with glutamine.
Molecular consequence: missense variant. On other transcripts: non-coding transcript variant (1).
Genome position (GRCh38, 1-based): chr2:178,584,725, C>T on the plus strand (G>A on the coding strand, the complement: TTN is on the minus strand). VCF-style: chr2-178584725-C-T. GRCh37 (hg19) VCF-style: chr2-179449452-C-T.
Other names: p.Arg19071Gln; c.59993G>A, p.Arg19998Gln (NM_001256850.1); c.37721G>A, p.Arg12574Gln (NM_003319.4); c.57212G>A, p.Arg19071Gln (NM_133378.4); c.38096G>A, p.Arg12699Gln (NM_133432.3); c.38297G>A, p.Arg12766Gln (NM_133437.4); short protein forms R19071Q, R21639Q, R12574Q, R19998Q, R12699Q, R12766Q.
Identifiers: ClinVar variation 497017 (VCV000497017.18), dbSNP rs373282633, ClinGen allele CA1991817.

ClinVar aggregate classification (germline): Conflicting classifications of pathogenicity. Review status: criteria provided, conflicting classifications (1 of 4 stars). 13 submissions from 9 submitters: Uncertain significance (10); Likely benign (1). 2 of the submissions do not count toward it. Last evaluated 2025-04-23.

Conditions:
TTN-related disorder. Also called: TTN-related condition; TTN-related disease; TTN-related disorders.
Cardiovascular phenotype. Identifiers: MedGen CN230736.
Dilated cardiomyopathy 1G (CMD1G). Identifiers: Orphanet 154, MedGen C1858763, MONDO:0011400, OMIM 604145.
Autosomal recessive limb-girdle muscular dystrophy type 2J (LGMDR10). Also called: Limb-girdle muscular dystrophy, type 2J; MUSCULAR DYSTROPHY, LIMB-GIRDLE, AUTOSOMAL RECESSIVE 10. Identifiers: Orphanet 140922, MedGen C1837342, MONDO:0012127, OMIM 608807.
Tibial muscular dystrophy (TMD). Also called: Tibial muscular dystrophy, tardive; UDD MYOPATHY; Udd Distal Myopathy – Tibial Muscular Dystrophy. Identifiers: Orphanet 609, MedGen C1838244, MONDO:0010870, OMIM 600334.
Early-onset myopathy with fatal cardiomyopathy (CMYO5). Also called: Salih Myopathy; CONGENITAL MYOPATHY 5 WITH CARDIOMYOPATHY. Identifiers: Orphanet 289377, MedGen C2673677, MONDO:0012714, OMIM 611705. Disease mechanism: loss of function.
Myopathy, myofibrillar, 9, with early respiratory failure (MFM9). Also called: EDSTROM MYOPATHY; Myopathy, distal, with early respiratory failure, autosomal dominant; Hereditary myopathy with early respiratory failure; MYOPATHY, PROXIMAL, WITH EARLY RESPIRATORY MUSCLE INVOLVEMENT. Identifiers: Orphanet 178464, Orphanet 34521, MedGen C1863599, MONDO:0011362, OMIM 603689.

Allele frequency attached by ClinVar (database versions not stated): ExAC 0.00002; gnomAD 0.00002 and 0.00003; gnomAD exomes 0.00003 and 0.00005; TOPMed 0.00005; ESP Exome Variant Server 0.00008.
gnomAD v4.1: 71 of 1,613,358 alleles (0.0044%); highest among the groups gnomAD compares: East Asian, 0.022%; no homozygotes.

Submissions (13):

PreventionGenetics, part of Exact Sciences
Classification: Uncertain significance for TTN-related condition. Last evaluated: 2025-04-23. Review status: criteria provided, single submitter. Criteria: ACMG Guidelines, 2015. Collection method: clinical testing. Allele origin: germline.
Comment: The TTN c.64916G>A variant is predicted to result in the amino acid substitution p.Arg21639Gln. This variant was reported as uncertain in an individual with cardiac syncope (reported as c.57212G>A, p.Arg19071Gln using transcript NM_133378 in Table S2, Lee et al. 2022. PubMed ID: 36005429). This variant is reported in 0.0051% of alleles in individuals of East Asian descent in gnomAD and is interpreted as uncertain in ClinVar. At this time, the clinical significance of this variant is uncertain due to the absence of conclusive functional and genetic evidence.

Mayo Clinic Laboratories, Mayo Clinic
Classification: Uncertain significance. Last evaluated: 2024-03-12. Review status: criteria provided, single submitter. Criteria: ACMG Guidelines, 2015. Collection method: clinical testing. Allele origin: germline. Observed: 1 variant allele.

Blueprint Genetics
Classification: Likely benign. Last evaluated: 2023-11-23. Review status: criteria provided, single submitter. Criteria: ACMG Guidelines, 2015. Collection method: clinical testing. Allele origin: germline.

Ambry Genetics
Classification: Uncertain significance for Cardiovascular phenotype. Last evaluated: 2019-10-25. Review status: criteria provided, single submitter. Criteria: Ambry Variant Classification Scheme 2023. Collection method: clinical testing. Allele origin: germline.
Comment: The p.R12574Q variant (also known as c.37721G>A), located in coding exon 137 of the TTN gene, results from a G to A substitution at nucleotide position 37721. The arginine at codon 12574 is replaced by glutamine, an amino acid with highly similar properties. This variant has been detected in a dilated cardiomyopathy cohort; however, details were not provided (Franaszczyk M et al. PLoS ONE, 2017 Jan;12:e0169007). This amino acid position is highly conserved in available vertebrate species. In addition, this alteration is predicted to be tolerated by in silico analysis. Since supporting evidence is limited at this time, the clinical significance of this alteration remains unclear.

Illumina Laboratory Services, Illumina
Classification: Uncertain significance for Myopathy, myofibrillar, 9, with early respiratory failure. Last evaluated: 2018-01-13. Review status: criteria provided, single submitter. Criteria: ICSL Variant Classification Criteria 13 December 2019. Collection method: clinical testing. Allele origin: germline.

Illumina Laboratory Services, Illumina
Classification: Uncertain significance for Early-onset myopathy with fatal cardiomyopathy. Last evaluated: 2018-01-13. Review status: criteria provided, single submitter. Criteria: ICSL Variant Classification Criteria 13 December 2019. Collection method: clinical testing. Allele origin: germline.

Illumina Laboratory Services, Illumina
Classification: Uncertain significance for Dilated cardiomyopathy 1G. Last evaluated: 2018-01-13. Review status: criteria provided, single submitter. Criteria: ICSL Variant Classification Criteria 13 December 2019. Collection method: clinical testing. Allele origin: germline.

Illumina Laboratory Services, Illumina
Classification: Uncertain significance for Autosomal recessive limb-girdle muscular dystrophy type 2J. Last evaluated: 2018-01-13. Review status: criteria provided, single submitter. Criteria: ICSL Variant Classification Criteria 13 December 2019. Collection method: clinical testing. Allele origin: germline.

Illumina Laboratory Services, Illumina
Classification: Uncertain significance for Tibial muscular dystrophy. Last evaluated: 2018-01-13. Review status: criteria provided, single submitter. Criteria: ICSL Variant Classification Criteria 13 December 2019. Collection method: clinical testing. Allele origin: germline.

Labcorp Genetics (formerly Invitae), Labcorp
Classification: Uncertain significance for Dilated cardiomyopathy 1G; Autosomal recessive limb-girdle muscular dystrophy type 2J. Last evaluated: 2017-11-16. Review status: criteria provided, single submitter. Criteria: Invitae Variant Classification Sherloc (09022015). Collection method: clinical testing. Allele origin: germline.

Eurofins Ntd Llc (ga)
Classification: Uncertain significance. Last evaluated: 2017-02-27. Review status: criteria provided, single submitter. Criteria: EGL Classification Definitions 2015. Collection method: clinical testing. Allele origin: germline. Observed: 2 variant alleles, 2 heterozygotes.

Clinical Genetics DNA and cytogenetics Diagnostics Lab, Erasmus MC, Erasmus Medical Center
Classification: Uncertain significance. Review status: no assertion criteria provided. Collection method: clinical testing. Allele origin: germline. Affected: yes. Study: VKGL Data-share Consensus. Not counted in ClinVar's aggregate classification.

Genome Diagnostics Laboratory, University Medical Center Utrecht
Classification: Uncertain significance. Review status: no assertion criteria provided. Collection method: clinical testing. Allele origin: germline. Affected: yes. Study: VKGL Data-share Consensus. Not counted in ClinVar's aggregate classification.

Literature cited by the submitters: PubMed 36005429 (cited by Mayo Clinic Laboratories, Mayo Clinic); PubMed 28045975 (cited by Ambry Genetics).